The following is an entry in ClinVar:

NM_001379451.1(BCORL1):c.3607+3A>G

Gene: BCORL1 (BCL6 corepressor like 1; plus strand). Cytogenetic location: Xq26.1.
Variant type: single nucleotide variant.
Coding change: c.3607+3A>G on transcript NM_001379451.1 (MANE Select); 3 bases into the intron after coding-DNA position 3607, A replaced by G.
Molecular consequence: intron variant.
Genome position (GRCh38, 1-based): chrX:130,021,153, A>G. VCF-style: chrX-130021153-A-G. GRCh37 (hg19) VCF-style: chrX-129155128-A-G.
Other names: c.3607+3A>G (NM_001184772.3, NM_001379450.1, NM_021946.5).
Identifiers: ClinVar variation 3902044 (VCV003902044.1).

ClinVar aggregate classification (germline): Uncertain significance (1 of 4 stars; one submission).

Conditions:
Shukla-Vernon syndrome. Identifiers: MedGen C5193146, MONDO:0026727, OMIM 301029.

Submission:

Laboratorio de Genetica e Diagnostico Molecular, Hospital Israelita Albert Einstein
Classification: Uncertain significance for Shukla-Vernon syndrome. Last evaluated: 2023-12-08. Review status: criteria provided, single submitter. Criteria: ACMG Guidelines, 2015. Collection method: clinical testing. Allele origin: germline. Affected: yes.
Comment: ACMG classification criteria: PM2 moderate